The following is an entry in ClinVar:

NM_000642.3(AGL):c.2935G>A (p.Gly979Arg)

Gene: AGL (amylo-alpha-1,6-glucosidase and 4-alpha-glucanotransferase; plus strand). Cytogenetic location: 1p21.2.
Variant type: single nucleotide variant.
Coding change: c.2935G>A on transcript NM_000642.3 (MANE Select); coding-DNA position 2935, G replaced by A.
Protein change: p.Gly979Arg; replaces glycine 979 with arginine.
Molecular consequence: missense variant.
Genome position (GRCh38, 1-based): chr1:99,891,342, G>A. VCF-style: chr1-99891342-G-A. GRCh37 (hg19) VCF-style: chr1-100356898-G-A.
Other names: c.2935G>A, p.Gly979Arg (NM_000028.3, NM_000643.3, NM_000644.3 and 1 more transcripts); c.2887G>A, p.Gly963Arg (NM_000646.3); c.2914G>A, p.Gly972Arg (NM_001425326.1); c.2734G>A, p.Gly912Arg (NM_001425327.1); c.2731G>A, p.Gly911Arg (NM_001425328.1); c.2596G>A, p.Gly866Arg (NM_001425329.1); c.2557G>A, p.Gly853Arg (NM_001425332.1); c.2935G>A (NM_000642.2); short protein forms G963R, G979R, G853R, G866R, G911R, G912R, G972R.
Identifiers: ClinVar variation 1015861 (VCV001015861.11), dbSNP rs752502818, ClinGen allele CA966933.
Genomic context (GRCh38, chr1:99,891,342, plus strand): 5'-AATTTGAGATCTGGAGATTGGATGATTGACTATGTCAGTAACCGGCTTATTTCACGATCA[G>A]GAACTATTGCTGAAGTAAGTAGAGCTATATTATCGTCCCAAAAAATCAAGGACATAATAA-3'
Protein context (NP_000633.2, residues 969-989): YVSNRLISRS[Gly979Arg]TIAEVGKWLQ

ClinVar aggregate classification (germline): Uncertain significance. Review status: criteria provided, multiple submitters, no conflicts (2 of 4 stars). 5 submissions from 5 submitters: Uncertain significance (4). 1 of the submissions does not count toward it. Last evaluated 2026-04-02.

Conditions:
Inborn genetic diseases. Identifiers: MedGen C0950123, MeSH D030342.
Glycogen storage disease type III (GSD3). Also called: Cori disease; FORBES DISEASE. Identifiers: Orphanet 366, MedGen C0017922, MONDO:0009291, OMIM 232400.

Allele frequency attached by ClinVar (database versions not stated): gnomAD 0.00004 and 0.00005; gnomAD exomes 0.00006 and 0.00002; TOPMed 0.00003; ExAC 0.00002.
gnomAD v4.1: 103 of 1,613,456 alleles (0.0064%); highest among the groups gnomAD compares: Non-Finnish European, 0.0081%; no homozygotes.

Submissions (5):

GeneDx
Classification: Uncertain significance. Last evaluated: 2026-04-02. Review status: criteria provided, single submitter. Criteria: GeneDx Variant Classification Process June 2021. Collection method: clinical testing. Allele origin: germline.
Comment: Not observed at significant frequency in large population cohorts (gnomAD); In silico analysis suggests that this missense variant does not alter protein structure/function; Has not been previously published as pathogenic or benign to our knowledge

Ambry Genetics
Classification: Uncertain significance for Inborn genetic diseases. Last evaluated: 2025-06-30. Review status: criteria provided, single submitter. Criteria: Ambry Variant Classification Scheme 2023. Collection method: clinical testing. Allele origin: germline.

Genome-Nilou Lab
Classification: Uncertain significance for Glycogen storage disease type III. Last evaluated: 2023-04-11. Review status: criteria provided, single submitter. Criteria: ACMG Guidelines, 2015. Collection method: clinical testing. Allele origin: germline. Affected: no.

Labcorp Genetics (formerly Invitae), Labcorp
Classification: Uncertain significance for Glycogen storage disease type III. Last evaluated: 2022-04-23. Review status: criteria provided, single submitter. Criteria: Invitae Variant Classification Sherloc (09022015). Collection method: clinical testing. Allele origin: germline.
Comment: This sequence change replaces glycine, which is neutral and non-polar, with arginine, which is basic and polar, at codon 979 of the AGL protein (p.Gly979Arg). This variant is present in population databases (rs752502818, gnomAD 0.004%). This variant has not been reported in the literature in individuals affected with AGL-related conditions. ClinVar contains an entry for this variant (Variation ID: 1015861). Algorithms developed to predict the effect of missense changes on protein structure and function (SIFT, PolyPhen-2, Align-GVGD) all suggest that this variant is likely to be tolerated. In summary, the available evidence is currently insufficient to determine the role of this variant in disease. Therefore, it has been classified as a Variant of Uncertain Significance.

Natera, Inc.
Classification: Uncertain significance for Glycogen storage disease type III. Last evaluated: 2020-03-04. Review status: no assertion criteria provided. Collection method: clinical testing. Allele origin: germline. Not counted in ClinVar's aggregate classification.